The following is an entry in ClinVar:

ClinVar aggregate classification (germline): Pathogenic/Likely pathogenic. Review status: criteria provided, multiple submitters, no conflicts (2 of 4 stars). 2 submissions from 2 submitters: Pathogenic (1); Likely pathogenic (1). Last evaluated 2023-09-14.

Conditions:
COL1A1-related disorder. Also called: COL1A1- related disease; COL1A1-related condition.

Submissions (2):

GeneDx
Classification: Likely pathogenic. Last evaluated: 2023-09-14. Review status: criteria provided, single submitter. Criteria: GeneDx Variant Classification Process June 2021. Collection method: clinical testing. Allele origin: germline. Affected: yes.
Comment: Occurs in the triple helical domain and replaces a glycine in a canonical Gly-X-Y repeat; missense substitution of a canonical glycine residue is expected to disrupt normal protein folding and function, and this is an established mechanism of disease (Jovanovic et al., 2021); Not observed at significant frequency in large population cohorts (gnomAD); In silico analysis supports that this missense variant has a deleterious effect on protein structure/function; Reported in association with OI/EDS overlap syndrome (Weerakkody et al., 2016; Lu et al., 2018); This variant is associated with the following publications: (PMID: 34007986, 24311407, 27011056, 29552444)

Blueprint Genetics
Classification: Pathogenic for COL1A1-related disorders. Last evaluated: 2019-06-18. Review status: criteria provided, single submitter. Criteria: ACMG Guidelines, 2015. Collection method: clinical testing. Allele origin: germline. Affected: yes. Observed: 1 variant allele.

NM_000088.4(COL1A1):c.643G>A (p.Gly215Ser)

Gene: COL1A1 (collagen type I alpha 1 chain; minus strand). Cytogenetic location: 17q21.33.
Variant type: single nucleotide variant.
Coding change: c.643G>A on transcript NM_000088.4 (MANE Select); coding-DNA position 643, G replaced by A.
Protein change: p.Gly215Ser; replaces glycine 215 with serine.
Molecular consequence: missense variant.
Genome position (GRCh38, 1-based): chr17:50,197,785, C>T on the plus strand (G>A on the coding strand, the complement: COL1A1 is on the minus strand). VCF-style: chr17-50197785-C-T. GRCh37 (hg19) VCF-style: chr17-48275146-C-T.
Other names: short protein forms G215S.
Identifiers: ClinVar variation 3340336 (VCV003340336.2).